The following is an entry in ClinVar:

ClinVar aggregate classification (germline): Uncertain significance (1 of 4 stars; one submission).

Conditions:
Hereditary insensitivity to pain with anhidrosis (CIPA). Also called: NEUROPATHY, CONGENITAL SENSORY, WITH ANHIDROSIS; hereditary sensory and autonomic neuropathy type 4; NTRK1 Congenital Insensitivity to Pain with Anhidrosis; FAMILIAL DYSAUTONOMIA, TYPE II; INSENSITIVITY TO PAIN, CONGENITAL, WITH ANHIDROSIS; HSAN Type IV. Identifiers: Orphanet 642, MedGen C0020074, MONDO:0009746, OMIM 256800.

Submission:

Labcorp Genetics (formerly Invitae), Labcorp
Classification: Uncertain significance for Hereditary insensitivity to pain with anhidrosis. Last evaluated: 2021-11-24. Review status: criteria provided, single submitter. Criteria: Invitae Variant Classification Sherloc (09022015). Collection method: clinical testing. Allele origin: germline.
Comment: Advanced modeling of protein sequence and biophysical properties (such as structural, functional, and spatial information, amino acid conservation, physicochemical variation, residue mobility, and thermodynamic stability) performed at Invitae indicates that this missense variant is not expected to disrupt NTRK1 protein function. This variant has not been reported in the literature in individuals affected with NTRK1-related conditions. This variant is not present in population databases (gnomAD no frequency). This sequence change replaces cysteine, which is neutral and slightly polar, with tryptophan, which is neutral and slightly polar, at codon 436 of the NTRK1 protein (p.Cys436Trp). In summary, the available evidence is currently insufficient to determine the role of this variant in disease. Therefore, it has been classified as a Variant of Uncertain Significance.

NM_002529.4(NTRK1):c.1326T>G (p.Cys442Trp)

Gene: NTRK1 (neurotrophic receptor tyrosine kinase 1; plus strand). Cytogenetic location: 1q23.1.
Variant type: single nucleotide variant.
Coding change: c.1326T>G on transcript NM_002529.4 (MANE Select); coding-DNA position 1326, T replaced by G.
Protein change: p.Cys442Trp; replaces cysteine 442 with tryptophan.
Molecular consequence: missense variant.
Genome position (GRCh38, 1-based): chr1:156,874,980, T>G. VCF-style: chr1-156874980-T-G. GRCh37 (hg19) VCF-style: chr1-156844772-T-G.
Other names: c.1326T>G, p.Cys442Trp (NM_001007204.1); c.1218T>G, p.Cys406Trp (NM_001007792.1); c.1308T>G, p.Cys436Trp (NM_001012331.2); short protein forms C406W, C442W, C436W.
Identifiers: ClinVar variation 2133165 (VCV002133165.4), dbSNP rs2525628907, ClinGen allele CA342937030.
Genomic context (GRCh38, chr1:156,874,980, plus strand): 5'-GGGCCTGGCCGTCTTTGCCTGCCTCTTCCTTTCTACGCTGCTCCTTGTGCTCAACAAATG[T>G]GGACGGAGAAACAAGTTTGGGATCAACCGTGAGTCGGGGCTGCAGAGGGCTGTCTGTCTG-3'
Protein context (NP_002520.2, residues 432-452): LSTLLLVLNK[Cys442Trp]GRRNKFGINR